The following is an entry in ClinVar:

ClinVar aggregate classification (germline): Uncertain significance. Review status: criteria provided, multiple submitters, no conflicts (2 of 4 stars). 2 submissions from 2 submitters: Uncertain significance (2). Last evaluated 2024-11-12.

Conditions:
Ataxia, early-onset, with oculomotor apraxia and hypoalbuminemia (EAOH). Also called: ATAXIA-OCULOMOTOR APRAXIA SYNDROME; ATAXIA-TELANGIECTASIA-LIKE SYNDROME; Ataxia-oculomotor apraxia type 1. Identifiers: Orphanet 1168, MedGen C1859598, MONDO:0008842, OMIM 208920.

Allele frequency attached by ClinVar (database versions not stated): gnomAD 0.00002 and 0.00003; TOPMed 0.00002; ExAC 0.00003; gnomAD exomes 0.00003.
gnomAD v4.1: 15 of 1,564,056 alleles (0.00096%); highest among the groups gnomAD compares: Middle Eastern, 0.017%; no homozygotes.

Submissions (2):

Labcorp Genetics (formerly Invitae), Labcorp
Classification: Uncertain significance. Last evaluated: 2024-11-12. Review status: criteria provided, single submitter. Criteria: Invitae Variant Classification Sherloc (09022015). Collection method: clinical testing. Allele origin: germline.
Comment: This sequence change replaces histidine, which is basic and polar, with arginine, which is basic and polar, at codon 258 of the APTX protein (p.His258Arg). This variant is present in population databases (rs763987865, gnomAD 0.01%). This variant has not been reported in the literature in individuals affected with APTX-related conditions. ClinVar contains an entry for this variant (Variation ID: 1477210). An algorithm developed to predict the effect of missense changes on protein structure and function (PolyPhen-2) suggests that this variant is likely to be tolerated. In summary, the available evidence is currently insufficient to determine the role of this variant in disease. Therefore, it has been classified as a Variant of Uncertain Significance.

Revvity Omics, Revvity
Classification: Uncertain significance for Ataxia, early-onset, with oculomotor apraxia and hypoalbuminemia. Last evaluated: 2019-06-05. Review status: criteria provided, single submitter. Criteria: ACMG Guidelines, 2015. Collection method: clinical testing. Allele origin: germline.

NM_001195248.2(APTX):c.773A>G (p.His258Arg)

Gene: APTX (aprataxin; minus strand). Cytogenetic location: 9p21.1.
Variant type: single nucleotide variant.
Coding change: c.773A>G on transcript NM_001195248.2 (MANE Select); coding-DNA position 773, A replaced by G.
Protein change: p.His258Arg; replaces histidine 258 with arginine.
Molecular consequence: missense variant. On other transcripts: non-coding transcript variant (13).
Genome position (GRCh38, 1-based): chr9:32,974,559, T>C on the plus strand (A>G on the coding strand, the complement: APTX is on the minus strand). VCF-style: chr9-32974559-T-C. GRCh37 (hg19) VCF-style: chr9-32974557-T-C.
Other names: c.773A>G (NM_175073.2); c.773A>G, p.His258Arg (NM_001195249.2, NM_001195251.2, NM_001368995.1 and 6 more transcripts); c.611A>G, p.His204Arg (NM_001195250.2, NM_001195254.2, NM_001369000.1 and 1 more transcripts); c.557A>G, p.His186Arg (NM_001195252.2); c.509A>G, p.His170Arg (NM_001369002.1, NM_001369003.1, NM_001369004.1 and 5 more transcripts); short protein forms H186R, H258R, H170R, H204R.
Identifiers: ClinVar variation 1477210 (VCV001477210.8), dbSNP rs763987865, ClinGen allele CA5022306.